The following is an entry in ClinVar:

ClinVar aggregate classification (germline): Likely benign (0 of 4 stars; one submission).

Conditions:
GRWD1-related disorder. Also called: GRWD1-related condition.

Allele frequency attached by ClinVar (database versions not stated): ExAC 0.00015; gnomAD 0.00026; ESP Exome Variant Server 0.00038; TOPMed 0.00046; 1000 Genomes Project 30x 0.00062; 1000 Genomes Project 0.00080.
gnomAD v4.1: 380 of 1,549,358 alleles (0.025%); highest among the groups gnomAD compares: Admixed American, 0.076%; no homozygotes.

Submission:

PreventionGenetics, part of Exact Sciences
Classification: Likely benign for GRWD1-related condition. Last evaluated: 2019-12-09. Review status: no assertion criteria provided. Collection method: clinical testing. Allele origin: germline.
Comment: This variant is classified as likely benign based on ACMG/AMP sequence variant interpretation guidelines (Richards et al. 2015 PMID: 25741868, with internal and published modifications).

NM_031485.4(GRWD1):c.1024-10C>A

Gene: GRWD1 (glutamate rich WD repeat containing 1; plus strand). Cytogenetic location: 19q13.33.
Variant type: single nucleotide variant.
Coding change: c.1024-10C>A on transcript NM_031485.4 (MANE Select); 10 bases into the intron before coding-DNA position 1024, C replaced by A.
Molecular consequence: intron variant.
Genome position (GRCh38, 1-based): chr19:48,452,698, C>A. VCF-style: chr19-48452698-C-A. GRCh37 (hg19) VCF-style: chr19-48955955-C-A.
Identifiers: ClinVar variation 3049151 (VCV003049151.2), dbSNP rs201385782, ClinGen allele CA9551235.
Genomic context (GRCh38, chr19:48,452,698, plus strand): 5'-TTCTGCCTGGGTCCTCCCCAGAGTCAGGCTGAGGCATTCAGAGCCCGTTCCTCCCATCCT[C>A]TCCCTCTAGTCTGGTTCCCCAGTGGCCACCTTCAAGCAGCACGTGGCCCCCGTGACCTCC-3'